The following is an entry in ClinVar:

ClinVar aggregate classification (germline): Uncertain significance (1 of 4 stars; one submission).

Submission:

GeneDx
Classification: Uncertain significance. Last evaluated: 2023-07-26. Review status: criteria provided, single submitter. Criteria: GeneDx Variant Classification Process June 2021. Collection method: clinical testing. Allele origin: germline. Affected: yes.
Comment: Not observed at significant frequency in large population cohorts (gnomAD); In silico analysis supports a deleterious effect on splicing; Has not been previously published as pathogenic or benign to our knowledge; Variants in candidate genes are classified as variants of uncertain significance in accordance with ACMG guidelines (Richards et al., 2015)

NM_024596.5(MCPH1):c.2214+3294C>T

Genes: ANGPT2 (angiopoietin 2; minus strand), MCPH1 (microcephalin 1; plus strand). Cytogenetic location: 8p23.1.
Variant type: single nucleotide variant.
Coding change: c.2214+3294C>T on transcript NM_024596.5 (MANE Select); 3294 bases into the intron after coding-DNA position 2214, C replaced by T.
Molecular consequence: intron variant. On other transcripts: missense variant (4), 3 prime UTR variant (2).
Genome position (GRCh38, 1-based): chr8:6,503,223, C>T. VCF-style: chr8-6503223-C-T. GRCh37 (hg19) VCF-style: chr8-6360744-C-T.
Other names: c.1366G>A, p.Gly456Arg (NM_001118887.2); c.1213G>A, p.Gly405Arg (NM_001118888.2); c.1369G>A, p.Gly457Arg (NM_001147.3); c.1210G>A, p.Gly404Arg (NM_001386335.1); c.*26G>A (NM_001386336.1, NM_001386337.1); c.2214+3294C>T (NM_001322042.2, NM_001363979.1, NM_001410917.1 and 1 more transcripts); c.1935+47971C>T (NM_001363980.2); short protein forms G404R, G405R, G456R, G457R.
Identifiers: ClinVar variation 3361762 (VCV003361762.1).